The following is an entry in ClinVar:

NM_000334.4(SCN4A):c.229G>A (p.Gly77Ser)

Gene: SCN4A (sodium voltage-gated channel alpha subunit 4; minus strand). Cytogenetic location: 17q23.3.
Variant type: single nucleotide variant.
Coding change: c.229G>A on transcript NM_000334.4 (MANE Select); coding-DNA position 229, G replaced by A.
Protein change: p.Gly77Ser; replaces glycine 77 with serine.
Molecular consequence: missense variant.
Genome position (GRCh38, 1-based): chr17:63,972,613, C>T on the plus strand (G>A on the coding strand, the complement: SCN4A is on the minus strand). VCF-style: chr17-63972613-C-T. GRCh37 (hg19) VCF-style: chr17-62049973-C-T.
Other names: short protein forms G77S.
Identifiers: ClinVar variation 844474 (VCV000844474.13), dbSNP rs369547459, ClinGen allele CA8710250.

ClinVar aggregate classification (germline): Uncertain significance. Review status: criteria provided, multiple submitters, no conflicts (2 of 4 stars). 3 submissions from 3 submitters: Uncertain significance (3). Last evaluated 2025-11-19.

Conditions:
Inborn genetic diseases. Identifiers: MedGen C0950123, MeSH D030342.
Hyperkalemic periodic paralysis. Also called: Familial hyperkalemic periodic paralysis; Gamstorp disease. Identifiers: Orphanet 682, MedGen C0238357, MONDO:0008224, OMIM 170500, HP:0007215.

Allele frequency attached by ClinVar (database versions not stated): gnomAD 0.00002; TOPMed 0.00002; ESP Exome Variant Server 0.00008; gnomAD exomes 0.00009; ExAC 0.00010.
gnomAD v4.1: 56 of 1,604,132 alleles (0.0035%); highest among the groups gnomAD compares: South Asian, 0.033%; no homozygotes.

Submissions (3):

Labcorp Genetics (formerly Invitae), Labcorp
Classification: Uncertain significance for Hyperkalemic periodic paralysis. Last evaluated: 2025-11-19. Review status: criteria provided, single submitter. Criteria: Invitae Variant Classification Sherloc (09022015). Collection method: clinical testing. Allele origin: germline.
Comment: This sequence change replaces glycine, which is neutral and non-polar, with serine, which is neutral and polar, at codon 77 of the SCN4A protein (p.Gly77Ser). This variant is present in population databases (rs369547459, gnomAD 0.06%). This variant has not been reported in the literature in individuals affected with SCN4A-related conditions. ClinVar contains an entry for this variant (Variation ID: 844474). Invitae Evidence Modeling of protein sequence and biophysical properties (such as structural, functional, and spatial information, amino acid conservation, physicochemical variation, residue mobility, and thermodynamic stability) indicates that this missense variant is not expected to disrupt SCN4A protein function with a negative predictive value of 95%. In summary, the available evidence is currently insufficient to determine the role of this variant in disease. Therefore, it has been classified as a Variant of Uncertain Significance.

Ambry Genetics
Classification: Uncertain significance for Inborn genetic diseases. Last evaluated: 2025-01-21. Review status: criteria provided, single submitter. Criteria: Ambry Variant Classification Scheme 2023. Collection method: clinical testing. Allele origin: germline.

GeneDx
Classification: Uncertain significance. Last evaluated: 2023-03-28. Review status: criteria provided, single submitter. Criteria: GeneDx Variant Classification Process June 2021. Collection method: clinical testing. Allele origin: germline. Affected: yes.
Comment: In silico analysis supports that this missense variant does not alter protein structure/function; Has not been previously published as pathogenic or benign to our knowledge